The following is an entry in ClinVar:

NM_017780.4(CHD7):c.2443-8T>G

Gene: CHD7 (chromodomain helicase DNA binding protein 7; plus strand). Cytogenetic location: 8q12.2.
Variant type: single nucleotide variant.
Coding change: c.2443-8T>G on transcript NM_017780.4 (MANE Select); 8 bases into the intron before coding-DNA position 2443, T replaced by G.
Molecular consequence: intron variant.
Genome position (GRCh38, 1-based): chr8:60,808,209, T>G. VCF-style: chr8-60808209-T-G. GRCh37 (hg19) VCF-style: chr8-61720768-T-G.
Other names: c.1716+27159T>G (NM_001316690.1).
Identifiers: ClinVar variation 2852675 (VCV002852675.3), dbSNP rs2487727285, ClinGen allele CA2739268801.

ClinVar aggregate classification (germline): Uncertain significance (1 of 4 stars; one submission).

Conditions:
CHARGE syndrome (CHARGE). Also called: Hittner Hirsch Kreh syndrome; CHARGE ASSOCIATION--COLOBOMA, HEART ANOMALY, CHOANAL ATRESIA, RETARDATION, GENITAL AND EAR ANOMALIES; Coloboma, heart anomaly, choanal atresia, retardation, genital and ear anomalies; CHARGE association; Hall-Hittner syndrome. Identifiers: Orphanet 138, MedGen C0265354, MONDO:0008965.

Submission:

Labcorp Genetics (formerly Invitae), Labcorp
Classification: Uncertain significance for CHARGE syndrome. Last evaluated: 2023-04-26. Review status: criteria provided, single submitter. Criteria: Invitae Variant Classification Sherloc (09022015). Collection method: clinical testing. Allele origin: germline.
Comment: This variant has not been reported in the literature in individuals affected with CHD7-related conditions. This variant is not present in population databases (gnomAD no frequency). This sequence change falls in intron 6 of the CHD7 gene. It does not directly change the encoded amino acid sequence of the CHD7 protein. Algorithms developed to predict the effect of sequence changes on RNA splicing suggest that this variant may disrupt the consensus splice site. In summary, the available evidence is currently insufficient to determine the role of this variant in disease. Therefore, it has been classified as a Variant of Uncertain Significance.